The following is an entry in ClinVar:

NM_005476.7(GNE):c.617G>A (p.Gly206Asp)

Gene: GNE (glucosamine (UDP-N-acetyl)-2-epimerase/N-acetylmannosamine kinase; minus strand). Cytogenetic location: 9p13.3.
Variant type: single nucleotide variant.
Coding change: c.617G>A on transcript NM_005476.7 (MANE Select); coding-DNA position 617, G replaced by A.
Protein change: p.Gly206Asp; replaces glycine 206 with aspartic acid.
Molecular consequence: missense variant. On other transcripts: intron variant (2).
Genome position (GRCh38, 1-based): chr9:36,236,984, C>T on the plus strand (G>A on the coding strand, the complement: GNE is on the minus strand). VCF-style: chr9-36236984-C-T. GRCh37 (hg19) VCF-style: chr9-36236981-C-T.
Other names: c.710G>A (NM_001128227.2); c.710G>A, p.Gly237Asp (NM_001128227.3); c.617G>A, p.Gly206Asp (NM_001190383.3); c.440G>A, p.Gly147Asp (NM_001190388.2, NM_001374798.1); c.440-2852G>A (NM_001190384.3); c.617-2852G>A (NM_001374797.1); short protein forms G147D, G206D, G237D.
Identifiers: ClinVar variation 3763229 (VCV003763229.3).

ClinVar aggregate classification (germline): Uncertain significance. Review status: criteria provided, single submitter (1 of 4 stars). 2 submissions from 2 submitters: Uncertain significance (1). 1 of the submissions does not count toward it. Last evaluated 2024-10-17.

Conditions:
GNE myopathy (NM). Also called: INCLUSION BODY MYOPATHY, HEREDITARY, AUTOSOMAL RECESSIVE; INCLUSION BODY MYOPATHY 2, AUTOSOMAL RECESSIVE; MYOPATHY, DISTAL, WITH OR WITHOUT RIMMED VACUOLES; NONAKA DISTAL MYOPATHY; IBM 2; Inclusion body myopathy autosomal recessive. Identifiers: Orphanet 602, MedGen C1853926, MONDO:0011603, OMIM 605820.
Sialuria. Also called: SIALURIA, FRENCH TYPE; Sialic Acid Storage Disease. Identifiers: Orphanet 3166, MedGen C0342853, MONDO:0010028, OMIM 269921.

Submissions (2):

Labcorp Genetics (formerly Invitae), Labcorp
Classification: Uncertain significance for Sialuria; GNE myopathy. Last evaluated: 2024-10-17. Review status: criteria provided, single submitter. Criteria: Invitae Variant Classification Sherloc (09022015). Collection method: clinical testing. Allele origin: germline.
Comment: This sequence change replaces glycine, which is neutral and non-polar, with aspartic acid, which is acidic and polar, at codon 237 of the GNE protein (p.Gly237Asp). This variant is not present in population databases (gnomAD no frequency). This variant has not been reported in the literature in individuals affected with GNE-related conditions. An algorithm developed to predict the effect of missense changes on protein structure and function (PolyPhen-2) suggests that this variant is likely to be tolerated. In summary, the available evidence is currently insufficient to determine the role of this variant in disease. Therefore, it has been classified as a Variant of Uncertain Significance.

Natera, Inc.
Classification: Uncertain significance for Nonaka myopathy. Last evaluated: 2025-03-24. Review status: no assertion criteria provided. Collection method: clinical testing. Allele origin: germline. Not counted in ClinVar's aggregate classification.